The following is an entry in ClinVar:

NC_000011.9:g.(?_108098352)_(108098625_?)dup

Gene: ATM (ATM serine/threonine kinase; plus strand). Cytogenetic location: 11q22.3.
Variant type: Duplication.
Identifiers: ClinVar variation 1039600 (VCV001039600.6).

ClinVar aggregate classification (germline): Uncertain significance (1 of 4 stars; one submission).

Conditions:
Ataxia-telangiectasia syndrome (AT). Also called: ATAXIA-TELANGIECTASIA, COMPLEMENTATION GROUP A; ATAXIA-TELANGIECTASIA, FRESNO VARIANT; Ataxia-telangiectasia, complementation group D; AT, COMPLEMENTATION GROUP C; Cerebello-oculocutaneous telangiectasia; Immunodeficiency with ataxia telangiectasia. Identifiers: Orphanet 100, MedGen C0004135, MONDO:0008840, OMIM 208900.

Submission:

Labcorp Genetics (formerly Invitae), Labcorp
Classification: Uncertain significance for Ataxia-telangiectasia syndrome. Last evaluated: 2022-06-13. Review status: criteria provided, single submitter. Criteria: Invitae Variant Classification Sherloc (09022015). Collection method: clinical testing. Allele origin: germline.
Comment: In summary, the available evidence is currently insufficient to determine the role of this variant in disease. Therefore, it has been classified as a Variant of Uncertain Significance. Experimental studies and prediction algorithms are not available or were not evaluated, and the functional significance of this variant is currently unknown. This variant has not been reported in the literature in individuals affected with ATM-related conditions. This variant results in a copy number gain of the genomic region encompassing exon(s) 2-3 of the ATM gene. This region includes the initiator codon of the gene. This copy number gain extends beyond the assayed region for this gene and therefore may encompass additional genes. As the precise location of this event is unknown, it may be in tandem or it may be located elsewhere in the genome.